The following is an entry in ClinVar:

NM_020686.6(ABAT):c.106G>A (p.Asp36Asn)

Gene: ABAT (4-aminobutyrate aminotransferase; plus strand). Cytogenetic location: 16p13.2.
Variant type: single nucleotide variant.
Coding change: c.106G>A on transcript NM_020686.6 (MANE Select); coding-DNA position 106, G replaced by A.
Protein change: p.Asp36Asn; replaces aspartic acid 36 with asparagine.
Molecular consequence: missense variant. On other transcripts: 5 prime UTR variant (3), intron variant (2).
Genome position (GRCh38, 1-based): chr16:8,746,036, G>A. VCF-style: chr16-8746036-G-A. GRCh37 (hg19) VCF-style: chr16-8839893-G-A.
Other names: c.106G>A, p.Asp36Asn (NM_000663.5, NM_001127448.2, NM_001386600.1 and 11 more transcripts); c.-30G>A (NM_001386611.1, NM_001386612.1, NM_001386613.1); c.71-2072G>A (NM_001386610.1); c.70+10227G>A (NM_001386614.1); short protein forms D36N.
Identifiers: ClinVar variation 1386323 (VCV001386323.6), dbSNP rs766849835, ClinGen allele CA7892959.

ClinVar aggregate classification (germline): Uncertain significance (1 of 4 stars; one submission).

Conditions:
Gamma-aminobutyric acid transaminase deficiency (GABATD). Also called: GABA aminotransaminase deficiency; GABA transaminase deficiency; Gamma aminobutyrate transaminase deficiency; 4 alpha aminobutyrate transaminase deficiency. Identifiers: Orphanet 2066, MedGen C0342708, MONDO:0013166, OMIM 613163.

Allele frequency attached by ClinVar (database versions not stated): ExAC 0.00002; gnomAD exomes 0.00002 and 0.00005.
gnomAD v4.1: 70 of 1,613,888 alleles (0.0043%); highest among the groups gnomAD compares: Non-Finnish European, 0.0058%; no homozygotes.

Submission:

Labcorp Genetics (formerly Invitae), Labcorp
Classification: Uncertain significance for Gamma-aminobutyric acid transaminase deficiency. Last evaluated: 2025-09-09. Review status: criteria provided, single submitter. Criteria: Invitae Variant Classification Sherloc (09022015). Collection method: clinical testing. Allele origin: germline.
Comment: This sequence change replaces aspartic acid, which is acidic and polar, with asparagine, which is neutral and polar, at codon 36 of the ABAT protein (p.Asp36Asn). This variant is present in population databases (rs766849835, gnomAD 0.007%). This variant has not been reported in the literature in individuals affected with ABAT-related conditions. ClinVar contains an entry for this variant (Variation ID: 1386323). An algorithm developed to predict the effect of missense changes on protein structure and function (PolyPhen-2) suggests that this variant is likely to be tolerated. In summary, the available evidence is currently insufficient to determine the role of this variant in disease. Therefore, it has been classified as a Variant of Uncertain Significance.